The following is an entry in ClinVar:

NR_027350.2(MIR17HG):n.4631T>C

Gene: MIR17HG (miR-17-92a-1 cluster host gene; plus strand). Cytogenetic location: 13q31.3.
Variant type: single nucleotide variant.
Genome position: GRCh38 VCF-style: chr13-91354055-T-C. GRCh37 (hg19) VCF-style: chr13-92006309-T-C.
Identifiers: ClinVar variation 2634783 (VCV002634783.1), dbSNP rs535675469, ClinGen allele CA254717919.

ClinVar aggregate classification (germline): Uncertain significance (1 of 4 stars; one submission).

Conditions:
MIR17HG-related disorder. Also called: MIR17HG-related condition.

Allele frequency attached by ClinVar (database versions not stated): gnomAD 0.00001; TOPMed 0.00001; 1000 Genomes Project 30x 0.00016; 1000 Genomes Project 0.00020.

Submission:

PreventionGenetics, part of Exact Sciences
Classification: Uncertain significance for MIR17HG-related condition. Last evaluated: 2023-07-26. Review status: criteria provided, single submitter. Criteria: ACMG Guidelines, 2015. Collection method: clinical testing. Allele origin: germline.
Comment: The MIR17HG n.4498T>C is a noncoding alteration. To our knowledge, this variant has not been reported in the literature or in a large population database, indicating this variant is rare. At this time, the clinical significance of this variant is uncertain due to the absence of conclusive functional and genetic evidence.